The following is an entry in ClinVar:

ClinVar aggregate classification (germline): Uncertain significance (1 of 4 stars; one submission).

Submission:

Ambry Genetics
Classification: Uncertain significance. Last evaluated: 2026-04-08. Review status: criteria provided, single submitter. Criteria: Ambry Variant Classification Scheme 2023. Collection method: clinical testing. Allele origin: germline.
Comment: The p.S236R variant (also known as c.708C>A), located in coding exon 1 of the CDK12 gene, results from a C to A substitution at nucleotide position 708. The serine at codon 236 is replaced by arginine, an amino acid with dissimilar properties. This amino acid position is conserved. In addition, this alteration is predicted to be tolerated by in silico analysis. Based on the available evidence, the clinical significance of this variant remains unclear.

NM_016507.4(CDK12):c.708C>A (p.Ser236Arg)

Genes: CDK12 (cyclin dependent kinase 12; plus strand), LOC126862553 (CDK7 strongly-dependent group 2 enhancer GRCh37_chr17:37618166-37619365; plus strand). Cytogenetic location: 17q12.
Variant type: single nucleotide variant.
Coding change: c.708C>A on transcript NM_016507.4 (MANE Select); coding-DNA position 708, C replaced by A.
Protein change: p.Ser236Arg; replaces serine 236 with arginine.
Molecular consequence: missense variant.
Genome position (GRCh38, 1-based): chr17:39,462,779, C>A. VCF-style: chr17-39462779-C-A. GRCh37 (hg19) VCF-style: chr17-37619032-C-A.
Other names: c.708C>A, p.Ser236Arg (NM_015083.4); short protein forms S236R.
Identifiers: ClinVar variation 4868478 (VCV004868478.1).